The following is an entry in ClinVar:

NM_014915.3(ANKRD26):c.3082A>G (p.Arg1028Gly)

Gene: ANKRD26 (ankyrin repeat domain containing 26; minus strand). Cytogenetic location: 10p12.1.
Variant type: single nucleotide variant.
Coding change: c.3082A>G on transcript NM_014915.3 (MANE Select); coding-DNA position 3082, A replaced by G.
Protein change: p.Arg1028Gly; replaces arginine 1028 with glycine.
Molecular consequence: missense variant.
Genome position (GRCh38, 1-based): chr10:27,035,368, T>C on the plus strand (A>G on the coding strand, the complement: ANKRD26 is on the minus strand). VCF-style: chr10-27035368-T-C. GRCh37 (hg19) VCF-style: chr10-27324297-T-C.
Other names: c.3079A>G, p.Arg1027Gly (NM_001256053.2); short protein forms R1028G, R1027G.
Identifiers: ClinVar variation 3871804 (VCV003871804.1).
Genomic context (GRCh38, chr10:27,035,368, plus strand): 5'-TTTTGTCCTGTAAACGAGAACATTCATCTCTTGCTCTCTGGAAAGCAAGTTCTAGTTCTC[T>C]TTTTGATGTCTCACTTTGATCACGATCATGTATAGCAGCAGCCAATCTAGAATGGTATGA-3'
Protein context (NP_055730.2, residues 1018-1038): HDRDQSETSK[Arg1028Gly]ELELAFQRAR

ClinVar aggregate classification (germline): Uncertain significance (1 of 4 stars; one submission).

Conditions:
Inborn genetic diseases. Identifiers: MedGen C0950123, MeSH D030342.

Submission:

Ambry Genetics
Classification: Uncertain significance for Inborn genetic diseases. Last evaluated: 2025-02-27. Review status: criteria provided, single submitter. Criteria: Ambry Variant Classification Scheme 2023. Collection method: clinical testing. Allele origin: germline.
Comment: The p.R1028G variant (also known as c.3082A>G), located in coding exon 24 of the ANKRD26 gene, results from an A to G substitution at nucleotide position 3082. The arginine at codon 1028 is replaced by glycine, an amino acid with dissimilar properties. This amino acid position is conserved. In addition, this alteration is predicted to be tolerated by in silico analysis. Based on the available evidence, the clinical significance of this variant remains unclear.